The following is an entry in ClinVar:

ClinVar aggregate classification (germline): Conflicting classifications of pathogenicity. Review status: criteria provided, conflicting classifications (1 of 4 stars). 5 submissions from 5 submitters: Uncertain significance (1); Benign (1); Likely benign (2). 1 of the submissions does not count toward it. Last evaluated 2026-09-01.

Conditions:
MPDZ-related disorder. Also called: MPDZ-related condition.

Allele frequency attached by ClinVar (database versions not stated): 1000 Genomes Project 30x 0.00125; 1000 Genomes Project 0.00140; gnomAD 0.00403 and 0.00406; ExAC 0.00474; TOPMed 0.00487; ESP Exome Variant Server 0.00490.
gnomAD v4.1: 9,381 of 1,612,418 alleles (0.58%); highest among the groups gnomAD compares: Middle Eastern, 1.1%; 39 homozygotes.

Submissions (5):

CeGaT Center for Human Genetics Tuebingen
Classification: Likely benign. Last evaluated: 2026-09-01. Review status: criteria provided, single submitter. Criteria: CeGaT Center For Human Genetics Tuebingen Variant Classification Criteria Version 2. Collection method: clinical testing. Allele origin: germline. Affected: yes. Observed: 14 variant alleles.
Comment: MPDZ: BP4, BP7, BS2

Labcorp Genetics (formerly Invitae), Labcorp
Classification: Benign. Last evaluated: 2026-02-01. Review status: criteria provided, single submitter. Criteria: Invitae Variant Classification Sherloc (09022015). Collection method: clinical testing. Allele origin: germline.

Blueprint Genetics
Classification: Likely benign. Last evaluated: 2024-11-23. Review status: criteria provided, single submitter. Criteria: ACMG Guidelines, 2015. Collection method: clinical testing. Allele origin: germline.

Genetic Services Laboratory, University of Chicago
Classification: Uncertain significance. Last evaluated: 2014-01-29. Review status: criteria provided, single submitter. Criteria: ACMG Guidelines, 2007. Collection method: clinical testing. Allele origin: germline.

PreventionGenetics, part of Exact Sciences
Classification: Benign for MPDZ-related condition. Last evaluated: 2019-09-18. Review status: no assertion criteria provided. Collection method: clinical testing. Allele origin: germline. Not counted in ClinVar's aggregate classification.
Comment: This variant is classified as benign based on ACMG/AMP sequence variant interpretation guidelines (Richards et al. 2015 PMID: 25741868, with internal and published modifications).

NM_001378778.1(MPDZ):c.2580A>G (p.Leu860=)

Gene: MPDZ (multiple PDZ domain crumbs cell polarity complex component; minus strand). Cytogenetic location: 9p23.
Variant type: single nucleotide variant.
Coding change: c.2580A>G on transcript NM_001378778.1 (MANE Select); coding-DNA position 2580, A replaced by G.
Protein change: p.Leu860=; no amino-acid change (leucine 860 retained).
Molecular consequence: synonymous variant.
Genome position (GRCh38, 1-based): chr9:13,183,487, T>C on the plus strand (A>G on the coding strand, the complement: MPDZ is on the minus strand). VCF-style: chr9-13183487-T-C. GRCh37 (hg19) VCF-style: chr9-13183486-T-C.
Other names: c.2580A>G, p.Leu860= (NM_001261406.2, NM_001261407.2, NM_001330637.2 and 14 more transcripts).
Identifiers: ClinVar variation 211510 (VCV000211510.56), dbSNP rs34704118, ClinGen allele CA207020.
Genomic context (GRCh38, chr9:13,183,487, plus strand): 5'-AGATGATGGAAGGGAAGAACCATAGTTCAGGCCATCACCACAAGAACTGCCATGAAGAGA[T>C]AAAATAGAGGCTTGAGTAGAGTAGATGCTGTCATTTTCAGGAGAGTATGGAGACTCAAAT-3'
Protein context (NP_001365707.1, residues 850-870): DSIYSTQASI[Leu860=]SLHGSSCGDG